The following is an entry in ClinVar:

NM_000264.5(PTCH1):c.4075A>C (p.Ser1359Arg)

Gene: PTCH1 (patched 1; minus strand). Cytogenetic location: 9q22.32.
Variant type: single nucleotide variant.
Coding change: c.4075A>C on transcript NM_000264.5 (MANE Select); coding-DNA position 4075, A replaced by C.
Protein change: p.Ser1359Arg; replaces serine 1359 with arginine.
Molecular consequence: missense variant. On other transcripts: non-coding transcript variant (1).
Genome position (GRCh38, 1-based): chr9:95,447,181, T>G on the plus strand (A>C on the coding strand, the complement: PTCH1 is on the minus strand). VCF-style: chr9-95447181-T-G. GRCh37 (hg19) VCF-style: chr9-98209463-T-G.
Other names: c.3919A>C, p.Ser1307Arg (NM_001354918.2); c.3877A>C, p.Ser1293Arg (NM_001083602.3); c.4072A>C, p.Ser1358Arg (NM_001083603.3); c.3622A>C, p.Ser1208Arg (NM_001083604.3, NM_001083605.3, NM_001083606.3 and 1 more transcripts); short protein forms S1293R, S1307R, S1358R, S1208R, S1359R.
Identifiers: ClinVar variation 4842279 (VCV004842279.1).

ClinVar aggregate classification (germline): Uncertain significance (1 of 4 stars; one submission).

Conditions:
Hereditary cancer-predisposing syndrome. Also called: Neoplastic Syndromes, Hereditary; Tumor predisposition; Hereditary Cancer Syndrome; Hereditary neoplastic syndrome. Identifiers: Orphanet 140162, MedGen C0027672, MeSH D009386, MONDO:0015356.

Submission:

Ambry Genetics
Classification: Uncertain significance for Hereditary cancer-predisposing syndrome. Last evaluated: 2025-12-15. Review status: criteria provided, single submitter. Criteria: Ambry Variant Classification Scheme 2023. Collection method: clinical testing. Allele origin: germline.
Comment: The p.S1359R variant (also known as c.4075A>C), located in coding exon 23 of the PTCH1 gene, results from an A to C substitution at nucleotide position 4075. The serine at codon 1359 is replaced by arginine, an amino acid with dissimilar properties. This amino acid position is conserved. In addition, this alteration is predicted to be tolerated by in silico analysis. Based on the available evidence, the clinical significance of this variant remains unclear.